The following is an entry in ClinVar:

ClinVar aggregate classification (germline): Pathogenic (1 of 4 stars; one submission).

Conditions:
Hereditary diffuse gastric adenocarcinoma (HDGC). Also called: DIFFUSE GASTRIC AND LOBULAR BREAST CANCER SYNDROME. Identifiers: Orphanet 26106, MedGen C1708349, MONDO:0007648, OMIM 137215.

Submission:

European Reference Network on Genetic Tumour Risk Syndromes (ERN-GENTURIS), i3s - Instituto de Investigação e Inovação em Saúde, University of Porto
Classification: Pathogenic for Hereditary diffuse gastric adenocarcinoma. Last evaluated: 2022-08-01. Review status: criteria provided, single submitter. Criteria: Lee et al. (Hum Mutat. 2018). Collection method: clinical testing. Allele origin: germline. Inheritance: Autosomal dominant inheritance. Affected: yes. Study: ERN GENTURIS.
Comment: PVS1; PS4_Supporting; PM2 (PMID: 30311375)

Literature cited by the submitters: PubMed 36436516.

NM_004360.5(CDH1):c.1401del (p.Thr468fs)

Gene: CDH1 (cadherin 1; plus strand). Cytogenetic location: 16q22.1.
Variant type: Deletion.
Coding change: c.1401del on transcript NM_004360.5 (MANE Select); coding-DNA position 1401, one base deleted (C; older notation c.1401delC).
Protein change: p.Thr468fs; shifts the reading frame from threonine 468.
Molecular consequence: frameshift variant. On other transcripts: 5 prime UTR variant (2).
Genome position (GRCh38, 1-based): chr16:68,815,595, C deleted; the last of 2 consecutive C bases (chr16:68,815,594-68,815,595); deleting either gives the same sequence. VCF-style (leftmost placement, unchanged base first): chr16-68815593-AC-A. GRCh37 (hg19) VCF-style: chr16-68849496-AC-A.
Other names: c.1218del, p.Thr407fs (NM_001317184.2); c.-148del (NM_001317185.2); c.-419del (NM_001317186.2); short protein forms T407fs, T468fs.
Identifiers: ClinVar variation 2502956 (VCV002502956.1), dbSNP rs2543930584, ClinGen allele CA2580612855.